The following is an entry in ClinVar:

NM_024675.4(PALB2):c.2961A>G (p.Gln987=)

Gene: PALB2 (partner and localizer of BRCA2; minus strand). Cytogenetic location: 16p12.2.
Variant type: single nucleotide variant.
Coding change: c.2961A>G on transcript NM_024675.4 (MANE Select); coding-DNA position 2961, A replaced by G.
Protein change: p.Gln987=; no amino-acid change (glutamine 987 retained).
Molecular consequence: synonymous variant.
Genome position (GRCh38, 1-based): chr16:23,623,004, T>C on the plus strand (A>G on the coding strand, the complement: PALB2 is on the minus strand). VCF-style: chr16-23623004-T-C. GRCh37 (hg19) VCF-style: chr16-23634325-T-C.
Identifiers: ClinVar variation 492206 (VCV000492206.18), dbSNP rs1555459530, ClinGen allele CA494180389.
Genomic context (GRCh38, chr16:23,623,004, plus strand): 5'-AAAAATCAATCAATGCTTTTCTTACCCTCCATCTTCTGCAAACGTCATGACTTCTACTTG[T>C]TGATCAGAAAGGGTCCCACTGCTACTAACTAGCCTCCTCTTTGTCAGGCCAAGCACAGCT-3'
Protein context (NP_078951.2, residues 977-997): LVSSSGTLSD[Gln987=]QVEVMTFAED

ClinVar aggregate classification (germline): Benign/Likely benign. Review status: criteria provided, multiple submitters, no conflicts (2 of 4 stars). 5 submissions from 5 submitters: Benign (1); Likely benign (4). Last evaluated 2025-02-26.

Conditions:
Familial cancer of breast. Also called: Hereditary breast cancer; hereditary breast carcinoma; BREAST CANCER, FAMILIAL. Identifiers: Orphanet 227535, MedGen C0346153, MONDO:0016419, OMIM 114480. Disease mechanism: loss of function.
Hereditary cancer-predisposing syndrome. Also called: Hereditary neoplastic syndrome; Tumor predisposition; Hereditary Cancer Syndrome; Neoplastic Syndromes, Hereditary. Identifiers: Orphanet 140162, MedGen C0027672, MeSH D009386, MONDO:0015356.

Allele frequency attached by ClinVar (database versions not stated): gnomAD exomes below 0.00001.
gnomAD v4.1: 1 of 1,614,186 alleles (0.000062%); highest among the groups gnomAD compares: Non-Finnish European, 0.000085%; no homozygotes.

Submissions (5):

Ambry Genetics
Classification: Likely benign for Hereditary cancer-predisposing syndrome. Last evaluated: 2025-02-26. Review status: criteria provided, single submitter. Criteria: Ambry Variant Classification Scheme 2023. Collection method: clinical testing. Allele origin: germline.

Myriad Genetics, Inc.
Classification: Benign for Familial cancer of breast. Last evaluated: 2025-01-21. Review status: criteria provided, single submitter. Criteria: Myriad Autosomal Dominant, Autosomal Recessive and X-Linked Classification Criteria (2023). Collection method: clinical testing. Allele origin: unknown.
Comment: This variant is considered benign. This variant is a silent/synonymous amino acid change and it is not expected to impact splicing.

Labcorp Genetics (formerly Invitae), Labcorp
Classification: Likely benign for Familial cancer of breast. Last evaluated: 2024-02-17. Review status: criteria provided, single submitter. Criteria: Invitae Variant Classification Sherloc (09022015). Collection method: clinical testing. Allele origin: germline.

Mendelics
Classification: Likely benign for Familial cancer of breast. Last evaluated: 2019-05-28. Review status: criteria provided, single submitter. Criteria: Mendelics Assertion Criteria 2017. Collection method: clinical testing. Allele origin: unknown.

Color Diagnostics, LLC DBA Color Health
Classification: Likely benign for Hereditary cancer-predisposing syndrome. Last evaluated: 2017-02-23. Review status: criteria provided, single submitter. Criteria: ACMG Guidelines, 2015. Collection method: clinical testing. Allele origin: germline.